The following is an entry in ClinVar:

NM_032575.3(GLIS2):c.1202G>T (p.Gly401Val)

Gene: GLIS2 (GLIS family zinc finger 2; plus strand). Cytogenetic location: 16p13.3.
Variant type: single nucleotide variant.
Coding change: c.1202G>T on transcript NM_032575.3 (MANE Select); coding-DNA position 1202, G replaced by T.
Protein change: p.Gly401Val; replaces glycine 401 with valine.
Molecular consequence: missense variant.
Genome position (GRCh38, 1-based): chr16:4,337,151, G>T. VCF-style: chr16-4337151-G-T. GRCh37 (hg19) VCF-style: chr16-4387152-G-T.
Other names: c.1202G>T, p.Gly401Val (NM_001318918.2); short protein forms G401V.
Identifiers: ClinVar variation 1431966 (VCV001431966.6), dbSNP rs1433611737, ClinGen allele CA394600010.

ClinVar aggregate classification (germline): Uncertain significance (1 of 4 stars; one submission).

Conditions:
Nephronophthisis. Also called: Juvenile Nephronophthisis. Identifiers: Orphanet 655, MedGen C0687120, MONDO:0019005, HP:0000090.

Allele frequency attached by ClinVar (database versions not stated): gnomAD exomes 0.00001.
gnomAD v4.1: 5 of 1,538,728 alleles (0.00032%); highest among the groups gnomAD compares: Non-Finnish European, 0.00044%; no homozygotes.

Submission:

Labcorp Genetics (formerly Invitae), Labcorp
Classification: Uncertain significance for Nephronophthisis. Last evaluated: 2021-12-02. Review status: criteria provided, single submitter. Criteria: Invitae Variant Classification Sherloc (09022015). Collection method: clinical testing. Allele origin: germline.
Comment: In summary, the available evidence is currently insufficient to determine the role of this variant in disease. Therefore, it has been classified as a Variant of Uncertain Significance. This sequence change replaces glycine, which is neutral and non-polar, with valine, which is neutral and non-polar, at codon 401 of the GLIS2 protein (p.Gly401Val). This variant is not present in population databases (gnomAD no frequency). This variant has not been reported in the literature in individuals affected with GLIS2-related conditions. Algorithms developed to predict the effect of missense changes on protein structure and function are either unavailable or do not agree on the potential impact of this missense change (SIFT: "Deleterious"; PolyPhen-2: "Not Available"; Align-GVGD: "Class C15").